The following is an entry in ClinVar:

ClinVar aggregate classification (germline): Pathogenic/Likely pathogenic. Review status: criteria provided, multiple submitters, no conflicts (2 of 4 stars). 8 submissions from 8 submitters: Pathogenic (5); Likely pathogenic (1). 2 of the submissions do not count toward it. Last evaluated 2025-12-23.

Conditions:
SGSH-related disorder. Also called: SGSH-related condition.
Mucopolysaccharidosis, MPS-III-A (MPS3A). Also called: Mucopolysaccharidosis, type IIIA; MPS III A; mucopolysaccharidosis type 3A; MPS IIIA (Sanfilippo Syndrome Type A); HEPARAN SULFATE SULFATASE DEFICIENCY; SANFILIPPO SYNDROME A. Identifiers: Orphanet 581, Orphanet 79269, MedGen C0086647, MONDO:0009655, OMIM 252900.

Allele frequency attached by ClinVar (database versions not stated): gnomAD 0.00001; TOPMed 0.00001; gnomAD exomes 0.00002.

Submissions (8):

Labcorp Genetics (formerly Invitae), Labcorp
Classification: Pathogenic for Mucopolysaccharidosis, MPS-III-A. Last evaluated: 2025-12-23. Review status: criteria provided, single submitter. Criteria: Invitae Variant Classification Sherloc (09022015). Collection method: clinical testing. Allele origin: germline.
Comment: This sequence change affects the initiator codon of the SGSH mRNA. This change may impact translation initiation or efficiency. The next in-frame methionine is located at codon 88. The frequency data for this variant in the population databases is considered unreliable, as metrics indicate poor data quality at this position in the gnomAD database. Disruption of the initiator codon has been observed in individuals with mucopolysaccharidosis type IIIA (PMID: 21204211, 21910976, 22976768). ClinVar contains an entry for this variant (Variation ID: 552260). For these reasons, this variant has been classified as Pathogenic.

Institute of Human Genetics, University of Leipzig Medical Center
Classification: Pathogenic for Mucopolysaccharidosis, MPS-III-A. Last evaluated: 2025-10-22. Review status: criteria provided, single submitter. Criteria: ACMG Guidelines, 2015. Collection method: clinical testing. Allele origin: maternal. Inheritance: Autosomal recessive inheritance. Affected: yes.
Comment: Criteria applied: PVS1,PM3_VSTR,PS1,PM2; Identified as compund heterozygous with NM_000199.5:c.892T>C

PreventionGenetics, part of Exact Sciences
Classification: Pathogenic for SGSH-related condition. Last evaluated: 2025-07-11. Review status: criteria provided, single submitter. Criteria: ACMG Guidelines, 2015. Collection method: clinical testing. Allele origin: germline.
Comment: The SGSH c.1A>G variant is predicted to disrupt the translation initiation site (Start Loss). This variant was reported in an individual with mucopolysaccharidosis IIIA (Table 4, Pollard et al. 2013. PubMed ID: 22976768) and in an individual with a neurodevelopmental disorder (Supplementary File S3, Klau et al. 2021. PubMed ID: 34690354). Another variant affecting this nucleotide was reported in an individual with mucopolysaccharidosis IIIA (c.1A>C, p.Met1Leu, Table SII, Héron et al. 2011. PubMed ID: 21204211). An adjacent variant also causing a start loss (c.2T>C, p.Met1Thr) was reported in an individual with mucopolysaccharidosis III (Ouesleti et al. 2011. PubMed ID: 21910976). This variant is reported in 0.0059% of alleles in individuals of European (Non-Finnish) descent in gnomAD. This variant is interpreted as pathogenic.

CeGaT Center for Human Genetics Tuebingen
Classification: Pathogenic. Last evaluated: 2023-06-01. Review status: criteria provided, single submitter. Criteria: CeGaT Center For Human Genetics Tuebingen Variant Classification Criteria Version 2. Collection method: clinical testing. Allele origin: germline. Affected: yes. Observed: 3 variant alleles.
Comment: SGSH: PM2, PM3, PP4:Moderate, PS1:Moderate, PVS1:Moderate

Women's Health and Genetics/Laboratory Corporation of America, LabCorp
Classification: Pathogenic for Mucopolysaccharidosis, MPS-III-A. Last evaluated: 2022-04-08. Review status: criteria provided, single submitter. Criteria: LabCorp Variant Classification Summary - May 2015. Collection method: clinical testing. Allele origin: germline.
Comment: Variant summary: SGSH c.1A>G (p.Met1?, aka p.Met1Val) alters the initiation codon and is predicted to result either in absence of the protein or truncation of the encoded protein due to translation initiation at a downstream codon. Two of two in-silico tools predict a benign effect of the variant on protein function. The variant allele was found at a frequency of 2.2e-05 in 91972 control chromosomes (gnomAD). c.1A>G has been reported in the literature in at least two compound heterozygous individuals affected with Mucopolysaccharidosis Type IIIA (Sanfilippo Syndrome A) (Pollard_2013, Klau_2022). In addition, other variants affecting the initiation codon (c.1A>C, c.2T>C) have also been reported in affected individuals (HGMD). These data indicate that the variant is likely associated with disease. To our knowledge, no experimental evidence demonstrating an impact on protein function has been reported. Six other submitters have provided clinical-significance assessments for this variant in ClinVar after 2014 (mostly without evidence for independent evaluation), and classified the variant as pathogenic (n=3) / likely pathogenic (n=2), or VUS (n=1). Based on the evidence outlined above, the variant was classified as pathogenic.

Genome-Nilou Lab
Classification: Likely pathogenic for Mucopolysaccharidosis, MPS-III-A. Last evaluated: 2021-11-07. Review status: criteria provided, single submitter. Criteria: ACMG Guidelines, 2015. Collection method: clinical testing. Allele origin: germline. Affected: no.

Counsyl
Classification: Likely pathogenic for Mucopolysaccharidosis, MPS-III-A. Last evaluated: 2017-05-31. Review status: no assertion criteria provided. Collection method: clinical testing. Allele origin: unknown. Not counted in ClinVar's aggregate classification.

Institute for Clinical Genetics, University Hospital TU Dresden, University Hospital TU Dresden
Classification: Uncertain significance. Last evaluated: 2021-11-03. Review status: flagged submission. Criteria: ACMG Guidelines, 2015. Collection method: clinical testing. Allele origin: germline. Not counted in ClinVar's aggregate classification.
ClinVar note: Reason: Outlier claim with insufficient supporting evidence

Literature cited by the submitters: PubMed 21204211 (cited by Labcorp Genetics (formerly Invitae), Labcorp); PubMed 21910976 (cited by Labcorp Genetics (formerly Invitae), Labcorp); PubMed 22976768 (cited by 3 submitters); PubMed 24816101 (cited by Women's Health and Genetics/Laboratory Corporation of America, LabCorp and Counsyl); PubMed 34690354 (cited by Women's Health and Genetics/Laboratory Corporation of America, LabCorp).

NM_000199.5(SGSH):c.1A>G (p.Met1Val)

Genes: SGSH (N-sulfoglucosamine sulfohydrolase; minus strand), LOC130061900 (ATAC-STARR-seq lymphoblastoid silent region 9102; plus strand). Cytogenetic location: 17q25.3.
Variant type: single nucleotide variant.
Coding change: c.1A>G on transcript NM_000199.5 (MANE Select); coding-DNA position 1, A replaced by G.
Protein change: p.Met1Val; changes the start codon (methionine 1).
Molecular consequence: missense variant, initiator codon variant. On other transcripts: non-coding transcript variant (1).
Genome position (GRCh38, 1-based): chr17:80,220,313, T>C on the plus strand (A>G on the coding strand, the complement: SGSH is on the minus strand). VCF-style: chr17-80220313-T-C. GRCh37 (hg19) VCF-style: chr17-78194112-T-C.
Other names: c.1A>G, p.Met1Val (NM_001352921.3, NM_001352922.2); short protein forms M1V.
Identifiers: ClinVar variation 552260 (VCV000552260.58), dbSNP rs1250300189, ClinGen allele CA401365708.